The following is an entry in ClinVar:

NM_018263.6(ASXL2):c.365G>A (p.Ser122Asn)

Gene: ASXL2 (ASXL transcriptional regulator 2; minus strand). Cytogenetic location: 2p23.3.
Variant type: single nucleotide variant.
Coding change: c.365G>A on transcript NM_018263.6 (MANE Select); coding-DNA position 365, G replaced by A.
Protein change: p.Ser122Asn; replaces serine 122 with asparagine.
Molecular consequence: missense variant.
Genome position (GRCh38, 1-based): chr2:25,799,423, C>T on the plus strand (G>A on the coding strand, the complement: ASXL2 is on the minus strand). VCF-style: chr2-25799423-C-T. GRCh37 (hg19) VCF-style: chr2-26022292-C-T.
Other names: c.191G>A, p.Ser64Asn (NM_001369346.1); short protein forms S122N, S64N.
Identifiers: ClinVar variation 1995650 (VCV001995650.4), dbSNP rs2465389263, ClinGen allele CA346084318.

ClinVar aggregate classification (germline): Uncertain significance (1 of 4 stars; one submission).

Submission:

Labcorp Genetics (formerly Invitae), Labcorp
Classification: Uncertain significance. Last evaluated: 2025-08-11. Review status: criteria provided, single submitter. Criteria: Invitae Variant Classification Sherloc (09022015). Collection method: clinical testing. Allele origin: germline.
Comment: This sequence change replaces serine, which is neutral and polar, with asparagine, which is neutral and polar, at codon 122 of the ASXL2 protein (p.Ser122Asn). This variant is not present in population databases (gnomAD no frequency). This variant has not been reported in the literature in individuals affected with ASXL2-related conditions. ClinVar contains an entry for this variant (Variation ID: 1995650). Invitae Evidence Modeling of protein sequence and biophysical properties (such as structural, functional, and spatial information, amino acid conservation, physicochemical variation, residue mobility, and thermodynamic stability) indicates that this missense variant is not expected to disrupt ASXL2 protein function with a negative predictive value of 80%. In summary, the available evidence is currently insufficient to determine the role of this variant in disease. Therefore, it has been classified as a Variant of Uncertain Significance.